The following is an entry in ClinVar:

NM_001382347.1(MYO5A):c.4555+2C>T

Gene: MYO5A (myosin VA; minus strand). Cytogenetic location: 15q21.2.
Variant type: single nucleotide variant.
Coding change: c.4555+2C>T on transcript NM_001382347.1 (MANE Select); the canonical splice donor site of the intron after coding-DNA position 4555, C replaced by T.
Molecular consequence: splice donor variant.
Genome position (GRCh38, 1-based): chr15:52,330,351, G>A on the plus strand (C>T on the coding strand, the complement: MYO5A is on the minus strand). VCF-style: chr15-52330351-G-A. GRCh37 (hg19) VCF-style: chr15-52622548-G-A.
Other names: c.4480+2C>T (NM_000259.3); c.4471+2C>T (NM_001411135.1); c.4399+2C>T (NM_001142495.2); c.4552+2C>T (NM_001382349.1); c.4627+2C>T (NM_001382348.1).
Identifiers: ClinVar variation 1369212 (VCV001369212.6), dbSNP rs201961375, ClinGen allele CA7568098.

ClinVar aggregate classification (germline): Uncertain significance. Review status: criteria provided, multiple submitters, no conflicts (2 of 4 stars). 3 submissions from 3 submitters: Uncertain significance (3). Last evaluated 2024-10-08.

Conditions:
Griscelli syndrome type 1 (GS1). Also called: GRISCELLI SYNDROME WITH NEUROLOGIC IMPAIRMENT; GRISCELLI SYNDROME, CUTANEOUS AND NEUROLOGIC TYPE; PARTIAL ALBINISM AND PRIMARY NEUROLOGIC DISEASE WITHOUT HEMOPHAGOCYTIC SYNDROME. Identifiers: Orphanet 381, Orphanet 79476, MedGen C1859194, MONDO:0008962, OMIM 214450.

Allele frequency attached by ClinVar (database versions not stated): ExAC 0.00007; gnomAD exomes 0.00009; TOPMed 0.00011; gnomAD 0.00012 and 0.00013; ESP Exome Variant Server 0.00025.
gnomAD v4.1: 352 of 1,613,868 alleles (0.022%); highest among the groups gnomAD compares: Non-Finnish European, 0.029%; no homozygotes.

Submissions (3):

Blueprint Genetics
Classification: Uncertain significance. Last evaluated: 2024-10-08. Review status: criteria provided, single submitter. Criteria: ACMG Guidelines, 2015. Collection method: clinical testing. Allele origin: germline.

Fulgent Genetics
Classification: Uncertain significance for Griscelli syndrome type 1. Last evaluated: 2022-04-12. Review status: criteria provided, single submitter. Criteria: ACMG Guidelines, 2015. Collection method: clinical testing. Allele origin: unknown.

Labcorp Genetics (formerly Invitae), Labcorp
Classification: Uncertain significance. Last evaluated: 2022-01-27. Review status: criteria provided, single submitter. Criteria: Invitae Variant Classification Sherloc (09022015). Collection method: clinical testing. Allele origin: germline.
Comment: In summary, the available evidence is currently insufficient to determine the role of this variant in disease. Therefore, it has been classified as a Variant of Uncertain Significance. Variants that disrupt the consensus splice site are a relatively common cause of aberrant splicing (PMID: 17576681, 9536098). Algorithms developed to predict the effect of sequence changes on RNA splicing suggest that this variant may create or strengthen a splice site. This variant has not been reported in the literature in individuals affected with MYO5A-related conditions. This variant is present in population databases (rs201961375, gnomAD 0.02%). This sequence change falls in intron 34 of the MYO5A gene. It does not directly change the encoded amino acid sequence of the MYO5A protein. It affects a nucleotide within the consensus splice site.

Literature cited by the submitters: PubMed 17576681 (cited by Labcorp Genetics (formerly Invitae), Labcorp); PubMed 9536098 (cited by Labcorp Genetics (formerly Invitae), Labcorp).